The following is an entry in ClinVar:

ClinVar aggregate classification (germline): Uncertain significance (1 of 4 stars; one submission).

Conditions:
NIK deficiency. Also called: Primary immunodeficiency with multifaceted aberrant lymphoid immunity. Identifiers: Orphanet 447731, MedGen C5680065, MONDO:0018642.

Submission:

Labcorp Genetics (formerly Invitae), Labcorp
Classification: Uncertain significance for NIK deficiency. Last evaluated: 2025-03-18. Review status: criteria provided, single submitter. Criteria: Invitae Variant Classification Sherloc (09022015). Collection method: clinical testing. Allele origin: germline.
Comment: This sequence change replaces proline, which is neutral and non-polar, with serine, which is neutral and polar, at codon 259 of the MAP3K14 protein (p.Pro259Ser). This variant is not present in population databases (gnomAD no frequency). This variant has not been reported in the literature in individuals affected with MAP3K14-related conditions. ClinVar contains an entry for this variant (Variation ID: 1389301). Experimental studies and prediction algorithms are not available or were not evaluated, and the functional significance of this variant is currently unknown. In summary, the available evidence is currently insufficient to determine the role of this variant in disease. Therefore, it has been classified as a Variant of Uncertain Significance.

NM_003954.5(MAP3K14):c.775C>T (p.Pro259Ser)

Gene: MAP3K14 (mitogen-activated protein kinase kinase kinase 14; minus strand). Cytogenetic location: 17q21.31.
Variant type: single nucleotide variant.
Coding change: c.775C>T on transcript NM_003954.5 (MANE Select); coding-DNA position 775, C replaced by T.
Protein change: p.Pro259Ser; replaces proline 259 with serine.
Molecular consequence: missense variant.
Genome position (GRCh38, 1-based): chr17:45,286,808, G>A on the plus strand (C>T on the coding strand, the complement: MAP3K14 is on the minus strand). VCF-style: chr17-45286808-G-A. GRCh37 (hg19) VCF-style: chr17-43364175-G-A.
Other names: short protein forms P259S.
Identifiers: ClinVar variation 1389301 (VCV001389301.6), dbSNP rs2143820595, ClinGen allele CA399888734.
Genomic context (GRCh38, chr17:45,286,808, plus strand): 5'-GGTGAGGTTTCCAGGGCTGGAGAGGGTGGAATGGGAAGGGATGAGGCAGTCTGCTATAGG[G>A]GAAGGGGTGCGTGGGCAGGGGCAGGGGGCCTCCGTCCTGGGGGTGGTGCAGTTTCCACAC-3'
Protein context (NP_003945.2, residues 249-269): GPLPLPTHPF[Pro259Ser]YSRLPHPFPF